The following is an entry in ClinVar:

NM_004525.3(LRP2):c.11287G>T (p.Glu3763Ter)

Gene: LRP2 (LDL receptor related protein 2; minus strand). Cytogenetic location: 2q31.1.
Variant type: single nucleotide variant.
Coding change: c.11287G>T on transcript NM_004525.3 (MANE Select); coding-DNA position 11287, G replaced by T.
Protein change: p.Glu3763Ter; replaces glutamic acid 3763 with a stop codon.
Molecular consequence: nonsense.
Genome position (GRCh38, 1-based): chr2:169,170,644, C>A on the plus strand (G>T on the coding strand, the complement: LRP2 is on the minus strand). VCF-style: chr2-169170644-C-A. GRCh37 (hg19) VCF-style: chr2-170027154-C-A.
Other names: short protein forms E3763*.
Identifiers: ClinVar variation 2763456 (VCV002763456.4), dbSNP rs775918663, ClinGen allele CA349142365.

ClinVar aggregate classification (germline): Pathogenic. Review status: criteria provided, multiple submitters, no conflicts (2 of 4 stars). 2 submissions from 2 submitters: Pathogenic (2). Last evaluated 2025-10-22.

Conditions:
Donnai-Barrow syndrome. Also called: DBS/FOAR SYNDROME; FACIOOCULOACOUSTICORENAL SYNDROME. Identifiers: Orphanet 2143, MedGen C1857277, MONDO:0009104, OMIM 222448.

Submissions (2):

Myriad Genetics, Inc.
Classification: Pathogenic for Donnai-Barrow syndrome. Last evaluated: 2025-10-22. Review status: criteria provided, single submitter. Criteria: Myriad Autosomal Dominant, Autosomal Recessive and X-Linked Classification Criteria (2023). Collection method: clinical testing. Allele origin: unknown.
Comment: NM_004525.2(LRP2):c.11287G>T(E3763*) is expected to be pathogenic in the context of Donnai-Barrow syndrome. This variant is predicted to lead to an abnormal or absent protein product due to the creation of a premature termination codon in LRP2, a gene where loss-of-function variants are known to be pathogenic. Please note: this variant was assessed in the context of healthy population screening.

Labcorp Genetics (formerly Invitae), Labcorp
Classification: Pathogenic. Last evaluated: 2023-09-27. Review status: criteria provided, single submitter. Criteria: Invitae Variant Classification Sherloc (09022015). Collection method: clinical testing. Allele origin: germline.
Comment: This sequence change creates a premature translational stop signal (p.Glu3763*) in the LRP2 gene. It is expected to result in an absent or disrupted protein product. Loss-of-function variants in LRP2 are known to be pathogenic (PMID: 17632512, 25682901). This variant is not present in population databases (gnomAD no frequency). This variant has not been reported in the literature in individuals affected with LRP2-related conditions. For these reasons, this variant has been classified as Pathogenic.

Literature cited by the submitters: PubMed 17632512 (cited by Labcorp Genetics (formerly Invitae), Labcorp); PubMed 25682901 (cited by Labcorp Genetics (formerly Invitae), Labcorp).